The following is an entry in ClinVar:

NM_001100913.3(PACS2):c.2216C>T (p.Pro739Leu)

Gene: PACS2 (phosphofurin acidic cluster sorting protein 2; plus strand). Cytogenetic location: 14q32.33.
Variant type: single nucleotide variant.
Coding change: c.2216C>T on transcript NM_001100913.3 (MANE Select); coding-DNA position 2216, C replaced by T.
Protein change: p.Pro739Leu; replaces proline 739 with leucine.
Molecular consequence: missense variant.
Genome position (GRCh38, 1-based): chr14:105,391,727, C>T. VCF-style: chr14-105391727-C-T. GRCh37 (hg19) VCF-style: chr14-105858064-C-T.
Other names: c.1946C>T, p.Pro649Leu (NM_001243127.3); c.2171C>T, p.Pro724Leu (NM_015197.4); short protein forms P649L, P724L, P739L.
Identifiers: ClinVar variation 3616699 (VCV003616699.9).

ClinVar aggregate classification (germline): Likely benign. Review status: criteria provided, multiple submitters, no conflicts (2 of 4 stars). 2 submissions from 2 submitters: Likely benign (2). Last evaluated 2025-03-01.

gnomAD v4.1: 19 of 1,598,306 alleles (0.0012%); highest among the groups gnomAD compares: East Asian, 0.0023%; no homozygotes.

Submissions (2):

CeGaT Center for Human Genetics Tuebingen
Classification: Likely benign. Last evaluated: 2025-03-01. Review status: criteria provided, single submitter. Criteria: CeGaT Center For Human Genetics Tuebingen Variant Classification Criteria Version 2. Collection method: clinical testing. Allele origin: germline. Affected: yes. Observed: 1 variant allele.
Comment: PACS2: BS2

Labcorp Genetics (formerly Invitae), Labcorp
Classification: Likely benign. Last evaluated: 2024-11-05. Review status: criteria provided, single submitter. Criteria: Invitae Variant Classification Sherloc (09022015). Collection method: clinical testing. Allele origin: germline.